The following is an entry in ClinVar:

ClinVar aggregate classification (germline): Uncertain significance (1 of 4 stars; one submission).

Conditions:
Asphyxiating thoracic dystrophy 3. Also called: Short rib polydactyly syndrome 2B; Saldino-Noonan Syndrome; POLYDACTYLY WITH NEONATAL CHONDRODYSTROPHY, TYPE I; SHORT-RIB THORACIC DYSPLASIA 3/6 WITH POLYDACTYLY, DIGENIC; SHORT-RIB THORACIC DYSPLASIA 3 WITH OR WITHOUT POLYDACTYLY. Identifiers: Orphanet 474, Orphanet 93269, Orphanet 93270, Orphanet 93271, MedGen C0036069, MONDO:0013127, OMIM 613091.

Submission:

Juno Genomics, Hangzhou Juno Genomics, Inc
Classification: Uncertain significance for Asphyxiating thoracic dystrophy 3. Review status: criteria provided, single submitter. Criteria: ACMG Guidelines, 2015. Collection method: clinical testing. Allele origin: germline.
Comment: Absent from controls (or at extremely low frequency if recessive) in Genome Aggregation Database.;Multiple lines of computational evidence support a deleterious effect on the gene or gene product.

NM_001377.3(DYNC2H1):c.6003A>G (p.Lys2001=)

Gene: DYNC2H1 (dynein cytoplasmic 2 heavy chain 1; plus strand). Cytogenetic location: 11q22.3.
Variant type: single nucleotide variant.
Coding change: c.6003A>G on transcript NM_001377.3 (MANE Select); coding-DNA position 6003, A replaced by G.
Protein change: p.Lys2001=; no amino-acid change (lysine 2001 retained).
Molecular consequence: synonymous variant.
Genome position (GRCh38, 1-based): chr11:103,177,684, A>G. VCF-style: chr11-103177684-A-G. GRCh37 (hg19) VCF-style: chr11-103048413-A-G.
Other names: c.6003A>G, p.Lys2001= (NM_001080463.2).
Identifiers: ClinVar variation 5019283 (VCV005019283.3).